The following is an entry in ClinVar:

ClinVar aggregate classification (germline): Likely benign (0 of 4 stars; one submission).

Conditions:
CELSR1-related disorder. Also called: CELSR1-related condition.

Submission:

PreventionGenetics, part of Exact Sciences
Classification: Likely benign for CELSR1-related condition. Last evaluated: 2023-03-14. Review status: no assertion criteria provided. Collection method: clinical testing. Allele origin: germline.
Comment: This variant is classified as likely benign based on ACMG/AMP sequence variant interpretation guidelines (Richards et al. 2015 PMID: 25741868, with internal and published modifications).

NM_001378328.1(CELSR1):c.87C>G (p.Ala29=)

Gene: CELSR1 (cadherin EGF LAG seven-pass G-type receptor 1; minus strand). Cytogenetic location: 22q13.31.
Variant type: single nucleotide variant.
Coding change: c.87C>G on transcript NM_001378328.1 (MANE Select); coding-DNA position 87, C replaced by G.
Protein change: p.Ala29=; no amino-acid change (alanine 29 retained).
Molecular consequence: synonymous variant.
Genome position (GRCh38, 1-based): chr22:46,537,084, G>C on the plus strand (C>G on the coding strand, the complement: CELSR1 is on the minus strand). VCF-style: chr22-46537084-G-C. GRCh37 (hg19) VCF-style: chr22-46932981-G-C.
Other names: c.87C>G, p.Ala29= (NM_014246.4).
Identifiers: ClinVar variation 3029138 (VCV003029138.2), dbSNP rs980266227, ClinGen allele CA515101367.